The following is an entry in ClinVar:

NM_016180.5(SLC45A2):c.1016C>G (p.Thr339Arg)

Gene: SLC45A2 (solute carrier family 45 member 2; minus strand). Cytogenetic location: 5p13.2.
Variant type: single nucleotide variant.
Coding change: c.1016C>G on transcript NM_016180.5 (MANE Select); coding-DNA position 1016, C replaced by G.
Protein change: p.Thr339Arg; replaces threonine 339 with arginine.
Molecular consequence: missense variant.
Genome position (GRCh38, 1-based): chr5:33,954,377, G>C on the plus strand (C>G on the coding strand, the complement: SLC45A2 is on the minus strand). VCF-style: chr5-33954377-G-C. GRCh37 (hg19) VCF-style: chr5-33954482-G-C.
Other names: c.1016C>G, p.Thr339Arg (NM_001012509.4); c.690C>G, p.His230Gln (NM_001297417.4); short protein forms T339R, H230Q.
Identifiers: ClinVar variation 2304770 (VCV002304770.3), dbSNP rs886043477, ClinGen allele CA359390431.
Genomic context (GRCh38, chr5:33,954,377, plus strand): 5'-AAATGATGTGTAACAGTGATTGTGTGCACAGACACGTTCATTACCTGGCCCATGAAATCT[G>C]TGAAGAACAGCATGTTGGACAGGAAGGCTGTCCATCCAATGAGGTGGCTGATGCAAAGGT-3'
Protein context (NP_057264.4, residues 329-349): TAFLSNMLFF[Thr339Arg]DFMGQIVYRG

ClinVar aggregate classification (germline): Conflicting classifications of pathogenicity. Review status: criteria provided, conflicting classifications (1 of 4 stars). 2 submissions from 2 submitters: Likely pathogenic (1); Uncertain significance (1). Last evaluated 2026-01-28.

Conditions:
Inborn genetic diseases. Identifiers: MedGen C0950123, MeSH D030342.

Allele frequency attached by ClinVar (database versions not stated): gnomAD exomes 0.00001.

Submissions (2):

Labcorp Genetics (formerly Invitae), Labcorp
Classification: Likely pathogenic. Last evaluated: 2026-01-28. Review status: criteria provided, single submitter. Criteria: Invitae Variant Classification Sherloc (09022015). Collection method: clinical testing. Allele origin: germline.
Comment: This sequence change replaces threonine, which is neutral and polar, with arginine, which is basic and polar, at codon 339 of the SLC45A2 protein (p.Thr339Arg). This variant is present in population databases (no rsID available, gnomAD 0.0009%). This missense change has been observed in individual(s) with oculocutaneous albinism (PMID: 34838614; internal data). In at least one individual the data is consistent with being in trans (on the opposite chromosome) from a pathogenic variant. ClinVar contains an entry for this variant (Variation ID: 2304770). Invitae Evidence Modeling of protein sequence and biophysical properties (such as structural, functional, and spatial information, amino acid conservation, physicochemical variation, residue mobility, and thermodynamic stability) indicates that this missense variant is expected to disrupt SLC45A2 protein function with a positive predictive value of 80%. In summary, the currently available evidence indicates that the variant is pathogenic, but additional data are needed to prove that conclusively. Therefore, this variant has been classified as Likely Pathogenic.

Ambry Genetics
Classification: Uncertain significance for Inborn genetic diseases. Last evaluated: 2022-08-02. Review status: criteria provided, single submitter. Criteria: Ambry Variant Classification Scheme 2023. Collection method: clinical testing. Allele origin: germline.

Literature cited by the submitters: PubMed 34838614 (cited by Labcorp Genetics (formerly Invitae), Labcorp).